The following is an entry in ClinVar:

NM_002769.5(PRSS1):c.93G>C (p.Glu31Asp)

Genes: TRB (T cell receptor beta locus; plus strand), PRSS1 (serine protease 1; plus strand). Cytogenetic location: 7q34.
Variant type: single nucleotide variant.
Coding change: c.93G>C on transcript NM_002769.5 (MANE Select); coding-DNA position 93, G replaced by C.
Protein change: p.Glu31Asp; replaces glutamic acid 31 with aspartic acid.
Molecular consequence: missense variant. On other transcripts: non-coding transcript variant (2).
Genome position (GRCh38, 1-based): chr7:142,750,607, G>C. VCF-style: chr7-142750607-G-C. GRCh37 (hg19) VCF-style: chr7-142458458-G-C.
Other names: short protein forms E31D.
Identifiers: ClinVar variation 3222829 (VCV003222829.1), dbSNP rs745623963, ClinGen allele CA369607187.

ClinVar aggregate classification (germline): Uncertain significance (1 of 4 stars; one submission).

Conditions:
Hereditary pancreatitis (PCTT). Also called: Hereditary chronic pancreatitis; PRSS1-Related Hereditary Pancreatitis. Identifiers: Orphanet 676, MedGen C0238339, MONDO:0008185, OMIM 167800.

Submission:

Ambry Genetics
Classification: Uncertain significance for Hereditary pancreatitis. Last evaluated: 2024-02-23. Review status: criteria provided, single submitter. Criteria: Ambry Variant Classification Scheme 2023. Collection method: clinical testing. Allele origin: germline.
Comment: The p.E31D variant (also known as c.93G>C), located in coding exon 2 of the PRSS1 gene, results from a G to C substitution at nucleotide position 93. The glutamic acid at codon 31 is replaced by aspartic acid, an amino acid with highly similar properties. This amino acid position is conserved. In addition, this alteration is predicted to be tolerated by in silico analysis. Based on the available evidence, the clinical significance of this alteration remains unclear.